The following is an entry in ClinVar:

ClinVar aggregate classification (germline): Uncertain significance (1 of 4 stars; one submission).

Submission:

Labcorp Genetics (formerly Invitae), Labcorp
Classification: Uncertain significance. Last evaluated: 2025-11-27. Review status: criteria provided, single submitter. Criteria: Invitae Variant Classification Sherloc (09022015). Collection method: clinical testing. Allele origin: germline.
Comment: This sequence change replaces histidine, which is basic and polar, with glutamine, which is neutral and polar, at codon 603 of the TFRC protein (p.His603Gln). This variant is not present in population databases (gnomAD no frequency). This variant has not been reported in the literature in individuals affected with TFRC-related conditions. Invitae Evidence Modeling of protein sequence and biophysical properties (such as structural, functional, and spatial information, amino acid conservation, physicochemical variation, residue mobility, and thermodynamic stability) indicates that this missense variant is not expected to disrupt TFRC protein function with a negative predictive value of 80%. In summary, the available evidence is currently insufficient to determine the role of this variant in disease. Therefore, it has been classified as a Variant of Uncertain Significance.

NM_001128148.3(TFRC):c.1809T>A (p.His603Gln)

Gene: TFRC (transferrin receptor; minus strand). Cytogenetic location: 3q29.
Variant type: single nucleotide variant.
Coding change: c.1809T>A on transcript NM_001128148.3 (MANE Select); coding-DNA position 1809, T replaced by A.
Protein change: p.His603Gln; replaces histidine 603 with glutamine.
Molecular consequence: missense variant.
Genome position (GRCh38, 1-based): chr3:196,055,170, A>T on the plus strand (T>A on the coding strand, the complement: TFRC is on the minus strand). VCF-style: chr3-196055170-A-T. GRCh37 (hg19) VCF-style: chr3-195782041-A-T.
Other names: c.1566T>A, p.His522Gln (NM_001313965.2); c.963T>A, p.His321Gln (NM_001313966.2); c.1809T>A, p.His603Gln (NM_003234.4); short protein forms H321Q, H522Q, H603Q.
Identifiers: ClinVar variation 4797703 (VCV004797703.1).